The following is an entry in ClinVar:

NM_001557.4(CXCR2):c.786C>T (p.Leu262=)

Gene: CXCR2 (C-X-C motif chemokine receptor 2; plus strand). Cytogenetic location: 2q35.
Variant type: single nucleotide variant.
Coding change: c.786C>T on transcript NM_001557.4 (MANE Select); coding-DNA position 786, C replaced by T.
Protein change: p.Leu262=; no amino-acid change (leucine 262 retained).
Molecular consequence: synonymous variant.
Genome position (GRCh38, 1-based): chr2:218,135,587, C>T. VCF-style: chr2-218135587-C-T. GRCh37 (hg19) VCF-style: chr2-219000310-C-T.
Other names: p.Leu262=; c.786C>T, p.Leu262= (NM_001168298.2).
Identifiers: ClinVar variation 1164812 (VCV001164812.16), dbSNP rs2230054, ClinGen allele CA2101786.
Genomic context (GRCh38, chr2:218,135,587, plus strand): 5'-CATGGGGCAGAAGCACCGGGCCATGCGGGTCATCTTTGCTGTCGTCCTCATCTTCCTGCT[C>T]TGCTGGCTGCCCTACAACCTGGTCCTGCTGGCAGACACCCTCATGAGGACCCAGGTGATC-3'
Protein context (NP_001548.1, residues 252-272): VIFAVVLIFL[Leu262=]CWLPYNLVLL

ClinVar aggregate classification (germline): Benign. Review status: criteria provided, multiple submitters, no conflicts (2 of 4 stars). 6 submissions from 6 submitters: Benign (6). Last evaluated 2026-02-04.

Allele frequency attached by ClinVar (database versions not stated): gnomAD exomes 0.48336 and 0.48315; gnomAD 0.53185 and 0.53840; ExAC 0.48957; 1000 Genomes Project 0.51238; TOPMed 0.54614; 1000 Genomes Project 30x 0.51921; ESP Exome Variant Server 0.55052.
gnomAD v4.1: 789,014 of 1,613,788 alleles (49%); highest among the groups gnomAD compares: African/African-American, 67%; 196,054 homozygotes.

Submissions (6):

Labcorp Genetics (formerly Invitae), Labcorp
Classification: Benign. Last evaluated: 2026-02-04. Review status: criteria provided, single submitter. Criteria: Invitae Variant Classification Sherloc (09022015). Collection method: clinical testing. Allele origin: germline.

Women's Health and Genetics/Laboratory Corporation of America, LabCorp
Classification: Benign. Last evaluated: 2026-01-21. Review status: criteria provided, single submitter. Criteria: LabCorp Variant Classification Summary - May 2015. Collection method: clinical testing. Allele origin: germline.

Unidad de Genómica Garrahan, Hospital de Pediatría Garrahan
Classification: Benign. Last evaluated: 2024-01-24. Review status: criteria provided, single submitter. Criteria: ACMG Guidelines, 2015. Collection method: clinical testing. Allele origin: germline. Affected: no. Observed: 71 variant alleles.
Comment: This variant is classified as Benign based on local population frequency. This variant was detected in 75% of patients studied by a panel of primary immunodeficiencies. Number of patients: 71. Only high quality variants are reported.

Mayo Clinic Laboratories, Mayo Clinic
Classification: Benign. Last evaluated: 2022-09-06. Review status: criteria provided, single submitter. Criteria: ACMG Guidelines, 2015. Collection method: clinical testing. Allele origin: germline. Observed: 498 variant alleles.

GeneDx
Classification: Benign. Last evaluated: 2018-11-10. Review status: criteria provided, single submitter. Criteria: GeneDx Variant Classification Process June 2021. Collection method: clinical testing. Allele origin: germline. Affected: yes.

Breakthrough Genomics
Classification: Benign. Review status: criteria provided, single submitter. Criteria: ACMG Guidelines, 2015. Collection method: not provided. Allele origin: germline. Inheritance: Autosomal recessive inheritance. Affected: yes.